The following is an entry in ClinVar:

ClinVar aggregate classification (germline): Pathogenic (1 of 4 stars; one submission).

Submission:

Labcorp Genetics (formerly Invitae), Labcorp
Classification: Pathogenic. Last evaluated: 2021-04-23. Review status: criteria provided, single submitter. Criteria: Invitae Variant Classification Sherloc (09022015). Collection method: clinical testing. Allele origin: germline.
Comment: For these reasons, this variant has been classified as Pathogenic. This variant has not been reported in the literature in individuals with WHRN-related conditions. This variant is not present in population databases (ExAC no frequency). This sequence change creates a premature translational stop signal (p.Glu438Asnfs*42) in the WHRN gene. It is expected to result in an absent or disrupted protein product. Loss-of-function variants in WHRN are known to be pathogenic (PMID: 12833159, 15841483, 22147658).

Literature cited by the submitters: PubMed 12833159; PubMed 15841483; PubMed 22147658.

NM_015404.4(WHRN):c.1312del (p.Glu438fs)

Gene: WHRN (whirlin; minus strand). Cytogenetic location: 9q32.
Variant type: Deletion.
Coding change: c.1312del on transcript NM_015404.4 (MANE Select); coding-DNA position 1312, one base deleted (G; older notation c.1312delG).
Protein change: p.Glu438fs; shifts the reading frame from glutamic acid 438.
Molecular consequence: frameshift variant.
Genome position (GRCh38, 1-based): chr9:114,424,438, C deleted on the plus strand (G on the coding strand, the reverse complement: WHRN is on the minus strand); the first of 2 consecutive C bases (chr9:114,424,438-114,424,439); deleting either gives the same sequence. VCF-style (leftmost placement, unchanged base first): chr9-114424437-TC-T. GRCh37 (hg19) VCF-style: chr9-117186717-TC-T.
Other names: c.163del, p.Glu55fs (NM_001083885.3); c.1312del, p.Glu438fs (NM_001173425.2); c.259del, p.Glu87fs (NM_001346890.1); short protein forms E438fs, E55fs, E87fs.
Identifiers: ClinVar variation 1367138 (VCV001367138.6), dbSNP rs2132376874, ClinGen allele CA2573143879.